The following is an entry in ClinVar:

NM_006947.4(SRP72):c.83C>G (p.Thr28Arg)

Gene: SRP72 (signal recognition particle 72; plus strand). Cytogenetic location: 4q12.
Variant type: single nucleotide variant.
Coding change: c.83C>G on transcript NM_006947.4 (MANE Select); coding-DNA position 83, C replaced by G.
Protein change: p.Thr28Arg; replaces threonine 28 with arginine.
Molecular consequence: missense variant. On other transcripts: non-coding transcript variant (1).
Genome position (GRCh38, 1-based): chr4:56,467,718, C>G. VCF-style: chr4-56467718-C-G. GRCh37 (hg19) VCF-style: chr4-57333884-C-G.
Other names: c.83C>G, p.Thr28Arg (NM_001267722.2); short protein forms T28R.
Identifiers: ClinVar variation 3801422 (VCV003801422.1).
Genomic context (GRCh38, chr4:56,467,718, plus strand): 5'-GGGTGTCAGTACCTGCGCTGTGGAGTGAAGTGAACCGGTATGGCCAGAACGGCGACTTCA[C>G]GCGCGCTCTCAAGACCGTCAATAAGAGTAAGTGTCGGGGTGGGCACTGGGGCGGGCCCAG-3'
Protein context (NP_008878.3, residues 18-38): VNRYGQNGDF[Thr28Arg]RALKTVNKIL

ClinVar aggregate classification (germline): Uncertain significance (1 of 4 stars; one submission).

Submission:

Ambry Genetics
Classification: Uncertain significance. Last evaluated: 2024-12-29. Review status: criteria provided, single submitter. Criteria: Ambry Variant Classification Scheme 2023. Collection method: clinical testing. Allele origin: germline.
Comment: The p.T28R variant (also known as c.83C>G), located in coding exon 1 of the SRP72 gene, results from a C to G substitution at nucleotide position 83. The threonine at codon 28 is replaced by arginine, an amino acid with similar properties. This amino acid position is conserved. In addition, this alteration is predicted to be tolerated by in silico analysis. Based on the available evidence, the clinical significance of this variant remains unclear.